The following is an entry in ClinVar:

ClinVar aggregate classification (germline): Uncertain significance (1 of 4 stars; one submission).

Conditions:
Joubert syndrome. Also called: CEREBELLOPARENCHYMAL DISORDER IV; JOUBERT-BOLTSHAUSER SYNDROME; Familial aplasia of the vermis. Identifiers: Orphanet 475, MedGen C5979921, MONDO:0018772.
Meckel-Gruber syndrome. Also called: DYSENCEPHALIA SPLANCHNOCYSTICA; GRUBER SYNDROME; Dysencephalia splachnocystica. Identifiers: Orphanet 564, MedGen C0265215, MONDO:0018921.
Nephronophthisis. Also called: Juvenile Nephronophthisis. Identifiers: Orphanet 655, MedGen C0687120, MONDO:0019005, HP:0000090.

Submission:

Labcorp Genetics (formerly Invitae), Labcorp
Classification: Uncertain significance for Joubert syndrome; Meckel-Gruber syndrome; Nephronophthisis. Last evaluated: 2022-07-30. Review status: criteria provided, single submitter. Criteria: Invitae Variant Classification Sherloc (09022015). Collection method: clinical testing. Allele origin: germline.
Comment: This variant is not present in population databases (gnomAD no frequency). This sequence change replaces isoleucine, which is neutral and non-polar, with methionine, which is neutral and non-polar, at codon 49 of the CEP290 protein (p.Ile49Met). This variant has not been reported in the literature in individuals affected with CEP290-related conditions. In summary, the available evidence is currently insufficient to determine the role of this variant in disease. Therefore, it has been classified as a Variant of Uncertain Significance. Algorithms developed to predict the effect of missense changes on protein structure and function are either unavailable or do not agree on the potential impact of this missense change (SIFT: "Tolerated"; PolyPhen-2: "Possibly Damaging"; Align-GVGD: "Class C0").

NM_025114.4(CEP290):c.147A>G (p.Ile49Met)

Gene: CEP290 (centrosomal protein 290; minus strand). Cytogenetic location: 12q21.32.
Variant type: single nucleotide variant.
Coding change: c.147A>G on transcript NM_025114.4 (MANE Select); coding-DNA position 147, A replaced by G.
Protein change: p.Ile49Met; replaces isoleucine 49 with methionine.
Molecular consequence: missense variant.
Genome position (GRCh38, 1-based): chr12:88,140,989, T>C on the plus strand (A>G on the coding strand, the complement: CEP290 is on the minus strand). VCF-style: chr12-88140989-T-C. GRCh37 (hg19) VCF-style: chr12-88534766-T-C.
Other names: short protein forms I49M.
Identifiers: ClinVar variation 1941115 (VCV001941115.5), dbSNP rs2501850748, ClinGen allele CA385989858.